The following is an entry in ClinVar:

ClinVar aggregate classification (germline): Uncertain significance (1 of 4 stars; one submission).

Conditions:
Citrullinemia. Identifiers: Orphanet 187, MedGen C0175683, MONDO:0015991.

Allele frequency attached by ClinVar (database versions not stated): TOPMed below 0.00001; gnomAD 0.00001.
gnomAD v4.1: 1 of 1,613,478 alleles (0.000062%); highest among the groups gnomAD compares: Admixed American, 0.0017%; no homozygotes.

Submission:

Labcorp Genetics (formerly Invitae), Labcorp
Classification: Uncertain significance for Citrullinemia. Last evaluated: 2022-05-03. Review status: criteria provided, single submitter. Criteria: Invitae Variant Classification Sherloc (09022015). Collection method: clinical testing. Allele origin: germline.
Comment: In summary, the available evidence is currently insufficient to determine the role of this variant in disease. Therefore, it has been classified as a Variant of Uncertain Significance. Algorithms developed to predict the effect of missense changes on protein structure and function are either unavailable or do not agree on the potential impact of this missense change (SIFT: "Deleterious"; PolyPhen-2: "Probably Damaging"; Align-GVGD: "Class C0"). This variant has not been reported in the literature in individuals affected with ASS1-related conditions. This variant is not present in population databases (gnomAD no frequency). This sequence change replaces glutamine, which is neutral and polar, with proline, which is neutral and non-polar, at codon 342 of the ASS1 protein (p.Gln342Pro).

NM_054012.4(ASS1):c.1025A>C (p.Gln342Pro)

Gene: ASS1 (argininosuccinate synthase 1; plus strand). Cytogenetic location: 9q34.11.
Variant type: single nucleotide variant.
Coding change: c.1025A>C on transcript NM_054012.4 (MANE Select); coding-DNA position 1025, A replaced by C.
Protein change: p.Gln342Pro; replaces glutamine 342 with proline.
Molecular consequence: missense variant.
Genome position (GRCh38, 1-based): chr9:130,494,921, A>C. VCF-style: chr9-130494921-A-C. GRCh37 (hg19) VCF-style: chr9-133370308-A-C.
Other names: c.1025A>C, p.Gln342Pro (NM_000050.4); short protein forms Q342P.
Identifiers: ClinVar variation 1954209 (VCV001954209.5), dbSNP rs1554725061, ClinGen allele CA375231896.